The following is an entry in ClinVar:

ClinVar aggregate classification (germline): Pathogenic. Review status: reviewed by expert panel (3 of 4 stars). 9 submissions from 9 submitters: Pathogenic (1). 8 of the submissions do not count toward it. Last evaluated 2016-04-22.

Conditions:
Hereditary cancer-predisposing syndrome. Also called: Neoplastic Syndromes, Hereditary; Tumor predisposition; Hereditary neoplastic syndrome; Hereditary Cancer Syndrome. Identifiers: Orphanet 140162, MedGen C0027672, MeSH D009386, MONDO:0015356.
Hereditary breast ovarian cancer syndrome. Also called: Hereditary breast and ovarian cancer syndrome; Hereditary breast and ovarian cancer; Hereditary breast and ovarian cancer syndrome (HBOC); Breast and ovarian cancer; Hereditary breast and/or ovarian cancer syndrome; BRCA1- and BRCA2-Associated Hereditary Breast and Ovarian Cancer. Identifiers: Orphanet 145, MedGen C0677776, MeSH D061325, MONDO:0003582. Disease mechanism: loss of function.
Malignant tumor of urinary bladder. Also called: Urinary bladder cancer; Bladder cancer; Urinary Bladder Neoplasms. Identifiers: MedGen C0005684, MONDO:0001187, OMIM 109800.
Breast-ovarian cancer, familial, susceptibility to, 2 (BROVCA2). Also called: BRCA2 Hereditary Breast and Ovarian Cancer. Identifiers: Orphanet 145, MedGen C2675520, MONDO:0012933, OMIM 612555. Disease mechanism: loss of function.

Allele frequency attached by ClinVar (database versions not stated): gnomAD exomes below 0.00001.

Submissions (9):

Evidence-based Network for the Interpretation of Germline Mutant Alleles (ENIGMA)
Classification: Pathogenic for Breast-ovarian cancer, familial, susceptibility to, 2. Last evaluated: 2016-04-22. Review status: reviewed by expert panel. Criteria: ENIGMA BRCA1/2 Classification Criteria (2015). Collection method: curation. Allele origin: germline.
Comment: Variant allele predicted to encode a truncated non-functional protein.

Labcorp Genetics (formerly Invitae), Labcorp
Classification: Pathogenic for Hereditary breast ovarian cancer syndrome. Last evaluated: 2026-01-20. Review status: criteria provided, single submitter. Criteria: Invitae Variant Classification Sherloc (09022015). Collection method: clinical testing. Allele origin: germline. Not counted in ClinVar's aggregate classification.
Comment: This sequence change creates a premature translational stop signal (p.Gln3037*) in the BRCA2 gene. It is expected to result in an absent or disrupted protein product. Loss-of-function variants in BRCA2 are known to be pathogenic (PMID: 20104584). This variant is not present in population databases (gnomAD no frequency). This premature translational stop signal has been observed in individual(s) with breast cancer (PMID: 19491284). ClinVar contains an entry for this variant (Variation ID: 52752). RNA analysis performed to evaluate the impact of this premature translational stop signal on mRNA splicing indicates it does not significantly alter splicing (internal data). For these reasons, this variant has been classified as Pathogenic.

Molecular Diagnostics Laboratory, Catalan Institute of Oncology
Classification: Pathogenic for Hereditary cancer-predisposing syndrome. Last evaluated: 2025-03-23. Review status: criteria provided, single submitter. Criteria: ClinGen BRCA1BRCA2 ACMG Specifications BRCA2 V1.0.0. Collection method: clinical testing. Allele origin: germline. Not counted in ClinVar's aggregate classification.
Comment: PVS1, PM5_PTC_Strong c.9109C>T, located in exon 20 of the BRCA2 gene, is a nonsense variant expected to result in loss of function by premature protein truncation and nonsense-mediated mRNA decay, p.(Gln3037*)(PVS1, PM5_PTC_strong).It is not present in the population exome database gnomAD v2.1.1, exome non-cancer data set. The SpliceAI algorithm predicts that the variant could impair the splice donor site of intron 20, although if this effect were to occur it would also result in a truncated protein. To our knowledge, functional studies have not been performed for this variant. This variant has been reported in the ClinVar database (7x pathogenic), in the LOVD database (5x pathogenic, 1x uncertain significance) and in the BRCA Exchange database as a pathogenic variant (‘Variant allele predicted to encode a truncated non-functional protein’). Based on currently available information, the variant c.9109C>T is classified as a pathogenic variant according to ClinGen-BRCA1 and BRCA2 Guidelines version 1.0.0.

Ambry Genetics
Classification: Pathogenic for Hereditary cancer-predisposing syndrome. Last evaluated: 2024-02-22. Review status: criteria provided, single submitter. Criteria: Ambry Variant Classification Scheme 2023. Collection method: clinical testing. Allele origin: germline. Not counted in ClinVar's aggregate classification.
Comment: The p.Q3037* pathogenic mutation (also known as c.9109C>T), located in coding exon 22 of the BRCA2 gene, results from a C to T substitution at nucleotide position 9109. This changes the amino acid from a glutamine to a stop codon within coding exon 22. This alteration has been reported in patients of different ancestries from several hereditary breast and/or ovarian cancer cohorts (Haffty BG et al. Ann. Oncol., 2009 Oct;20:1653-9; Arai M et al. J. Hum. Genet., 2018 Apr;63:447-457; Momozawa Y et al. Nat Commun, 2018 10;9:4083; Rebbeck TR et al. Hum. Mutat., 2018 05;39:593-620). Of note, this alteration is also designated as 9337C>T in the literature. In addition to the clinical data presented in the literature, this alteration is expected to result in loss of function by premature protein truncation or nonsense-mediated mRNA decay. As such, this alteration is interpreted as a disease-causing mutation.

Women's Health and Genetics/Laboratory Corporation of America, LabCorp
Classification: Pathogenic for Hereditary breast ovarian cancer syndrome. Last evaluated: 2021-03-22. Review status: criteria provided, single submitter. Criteria: LabCorp Variant Classification Summary - May 2015. Collection method: clinical testing. Allele origin: germline. Not counted in ClinVar's aggregate classification.
Comment: Variant summary: BRCA2 c.9109C>T (p.Gln3037X) results in a premature termination codon, predicted to cause a truncation of the encoded protein or absence of the protein due to nonsense mediated decay, which are commonly known mechanisms for disease. Truncations downstream of this position have been classified as pathogenic by our laboratory. The variant was absent in 248918 control chromosomes (gnomAD). c.9109C>T has been reported in the literature in individuals affected with Hereditary Breast And Ovarian Cancer Syndrome (e.g. Momozawa_2018, Rebbeck_2018). These data indicate that the variant is likely to be associated with disease. Three ClinVar submitters including an expert panel (ENIGMA) (evaluation after 2014) cite the variant as pathogenic. Based on the evidence outlined above, the variant was classified as pathogenic.

Clinical Genetics and Genomics, Karolinska University Hospital
Classification: Pathogenic. Last evaluated: 2019-09-04. Review status: criteria provided, single submitter. Criteria: ACMG Guidelines, 2015. Collection method: clinical testing. Allele origin: germline. Affected: yes. Observed: 1 variant allele. Not counted in ClinVar's aggregate classification.

Consortium of Investigators of Modifiers of BRCA1/2 (CIMBA), c/o University of Cambridge
Classification: Pathogenic for Breast-ovarian cancer, familial, susceptibility to, 2. Last evaluated: 2015-10-02. Review status: criteria provided, single submitter. Criteria: CIMBA Mutation Classification guidelines May 2016. Collection method: clinical testing. Allele origin: germline. Not counted in ClinVar's aggregate classification.

Sharing Clinical Reports Project (SCRP)
Classification: Pathogenic for Breast-ovarian cancer, familial 2. Last evaluated: 2012-05-01. Review status: no assertion criteria provided. Collection method: clinical testing. Allele origin: germline. Not counted in ClinVar's aggregate classification.

Laboratory of Urology, Hospital Clinic de Barcelona
Classification: Pathogenic for Malignant tumor of urinary bladder. Review status: no assertion criteria provided. Collection method: research. Allele origin: somatic. Affected: yes. Not counted in ClinVar's aggregate classification.

Literature cited by the submitters: PubMed 20104584 (cited by Labcorp Genetics (formerly Invitae), Labcorp); PubMed 19491284 (cited by Labcorp Genetics (formerly Invitae), Labcorp and Ambry Genetics); PubMed 29176636 (cited by Ambry Genetics); PubMed 29446198 (cited by Ambry Genetics and Women's Health and Genetics/Laboratory Corporation of America, LabCorp); PubMed 30287823 (cited by Ambry Genetics and Women's Health and Genetics/Laboratory Corporation of America, LabCorp).

NM_000059.4(BRCA2):c.9109C>T (p.Gln3037Ter)

Gene: BRCA2 (BRCA2 DNA repair associated; plus strand). Cytogenetic location: 13q13.1.
Variant type: single nucleotide variant.
Coding change: c.9109C>T on transcript NM_000059.4 (MANE Select); coding-DNA position 9109, C replaced by T.
Protein change: p.Gln3037Ter; replaces glutamine 3037 with a stop codon.
Molecular consequence: nonsense.
Genome position (GRCh38, 1-based): chr13:32,379,905, C>T. VCF-style: chr13-32379905-C-T. GRCh37 (hg19) VCF-style: chr13-32954042-C-T.
Other names: 9337C>T; short protein forms Q3037*.
Identifiers: ClinVar variation 52752 (VCV000052752.17), dbSNP rs397508037, ClinGen allele CA025985.